The following is an entry in ClinVar:

NM_017612.5(ZCCHC8):c.1254G>A (p.Arg418=)

Gene: ZCCHC8 (zinc finger CCHC-type containing 8; minus strand). Cytogenetic location: 12q24.31.
Variant type: single nucleotide variant.
Coding change: c.1254G>A on transcript NM_017612.5 (MANE Select); coding-DNA position 1254, G replaced by A.
Protein change: p.Arg418=; no amino-acid change (arginine 418 retained).
Molecular consequence: synonymous variant.
Genome position (GRCh38, 1-based): chr12:122,477,932, C>T on the plus strand (G>A on the coding strand, the complement: ZCCHC8 is on the minus strand). VCF-style: chr12-122477932-C-T. GRCh37 (hg19) VCF-style: chr12-122962479-C-T.
Other names: c.1023G>A, p.Arg341= (NM_001350935.2); c.957G>A, p.Arg319= (NM_001350936.2); c.540G>A, p.Arg180= (NM_001350937.2, NM_001350938.2); c.1254G>A (NM_017612.4).
Identifiers: ClinVar variation 1624500 (VCV001624500.12), dbSNP rs569652070, ClinGen allele CA6846230.

ClinVar aggregate classification (germline): Likely benign. Review status: criteria provided, multiple submitters, no conflicts (2 of 4 stars). 4 submissions from 4 submitters: Likely benign (3). 1 of the submissions does not count toward it. Last evaluated 2025-06-05.

Conditions:
ZCCHC8-related disorder. Also called: ZCCHC8-related condition.

Allele frequency attached by ClinVar (database versions not stated): TOPMed 0.00002; gnomAD 0.00003 and 0.00006; gnomAD exomes 0.00005 and 0.00009; ExAC 0.00007; 1000 Genomes Project 30x 0.00016; 1000 Genomes Project 0.00020.
gnomAD v4.1: 142 of 1,613,924 alleles (0.0088%); highest among the groups gnomAD compares: East Asian, 0.31%; no homozygotes.

Submissions (4):

Labcorp Genetics (formerly Invitae), Labcorp
Classification: Likely benign. Last evaluated: 2025-06-05. Review status: criteria provided, single submitter. Criteria: Invitae Variant Classification Sherloc (09022015). Collection method: clinical testing. Allele origin: germline.

Blueprint Genetics
Classification: Likely benign. Last evaluated: 2023-10-30. Review status: criteria provided, single submitter. Criteria: ACMG Guidelines, 2015. Collection method: clinical testing. Allele origin: germline.

Breakthrough Genomics
Classification: Likely benign. Review status: criteria provided, single submitter. Criteria: ACMG Guidelines, 2015. Collection method: not provided. Allele origin: germline. Inheritance: Autosomal dominant inheritance. Affected: yes.

PreventionGenetics, part of Exact Sciences
Classification: Likely benign for ZCCHC8-related condition. Last evaluated: 2022-08-07. Review status: no assertion criteria provided. Collection method: clinical testing. Allele origin: germline. Not counted in ClinVar's aggregate classification.
Comment: This variant is classified as likely benign based on ACMG/AMP sequence variant interpretation guidelines (Richards et al. 2015 PMID: 25741868, with internal and published modifications).